The following is an entry in ClinVar:

ClinVar aggregate classification (germline): Uncertain significance (1 of 4 stars; one submission).

Allele frequency attached by ClinVar (database versions not stated): gnomAD exomes below 0.00001 and 0.00001; ExAC 0.00001.
gnomAD v4.1: 2 of 1,614,084 alleles (0.00012%); highest among the groups gnomAD compares: Non-Finnish European, 0.00017%; no homozygotes.

Submission:

Labcorp Genetics (formerly Invitae), Labcorp
Classification: Uncertain significance. Last evaluated: 2022-10-25. Review status: criteria provided, single submitter. Criteria: Invitae Variant Classification Sherloc (09022015). Collection method: clinical testing. Allele origin: germline.
Comment: This sequence change replaces isoleucine, which is neutral and non-polar, with valine, which is neutral and non-polar, at codon 398 of the ABCA4 protein (p.Ile398Val). In summary, the available evidence is currently insufficient to determine the role of this variant in disease. Therefore, it has been classified as a Variant of Uncertain Significance. Advanced modeling of protein sequence and biophysical properties (such as structural, functional, and spatial information, amino acid conservation, physicochemical variation, residue mobility, and thermodynamic stability) performed at Invitae indicates that this missense variant is not expected to disrupt ABCA4 protein function. ClinVar contains an entry for this variant (Variation ID: 1356386). This variant has not been reported in the literature in individuals affected with ABCA4-related conditions. This variant is present in population databases (rs776798532, gnomAD 0.002%).

NM_000350.3(ABCA4):c.1192A>G (p.Ile398Val)

Gene: ABCA4 (ATP binding cassette subfamily A member 4; minus strand). Cytogenetic location: 1p22.1.
Variant type: single nucleotide variant.
Coding change: c.1192A>G on transcript NM_000350.3 (MANE Select); coding-DNA position 1192, A replaced by G.
Protein change: p.Ile398Val; replaces isoleucine 398 with valine.
Molecular consequence: missense variant.
Genome position (GRCh38, 1-based): chr1:94,079,369, T>C on the plus strand (A>G on the coding strand, the complement: ABCA4 is on the minus strand). VCF-style: chr1-94079369-T-C. GRCh37 (hg19) VCF-style: chr1-94544925-T-C.
Other names: c.1192A>G, p.Ile398Val (NM_001425324.1); short protein forms I398V.
Identifiers: ClinVar variation 1356386 (VCV001356386.8), dbSNP rs776798532, ClinGen allele CA958612.
Genomic context (GRCh38, chr1:94,079,369, plus strand): 5'-GCTGGGATCTTACATTCTTCAGTATCCTTCGTGCTGCAGGTGAATCAGGAGTGTACAGGA[T>C]TTTTCCCATCAGCAAAGGCTTTGCCGCCCTCCAAGCGATTTTGGTTAAAGGATTTGACTC-3'
Protein context (NP_000341.2, residues 388-408): RAAKPLLMGK[Ile398Val]LYTPDSPAAR